The following is an entry in ClinVar:

ClinVar aggregate classification (germline): Pathogenic/Likely pathogenic. Review status: criteria provided, multiple submitters, no conflicts (2 of 4 stars). 2 submissions from 2 submitters: Pathogenic (1); Likely pathogenic (1). Last evaluated 2025-03-16.

Conditions:
DSP-related disorder. Also called: DSP-related disorders; DSP-related condition.
Arrhythmogenic right ventricular dysplasia 8 (ARVD8). Also called: ARRHYTHMOGENIC RIGHT VENTRICULAR DYSPLASIA, FAMILIAL, 8; ARRHYTHMOGENIC RIGHT VENTRICULAR CARDIOMYOPATHY 8; Arrhythmogenic Right Ventricular Dysplasia/Cardiomyopathy 8. Identifiers: MedGen C1843896, MONDO:0011831, OMIM 607450.
Arrhythmogenic cardiomyopathy with wooly hair and keratoderma. Also called: Arrhythmogenic cardiomyopathy with woolly hair and keratoderma; Dilated cardiomyopathy with woolly hair and keratoderma; PALMOPLANTAR KERATODERMA WITH LEFT VENTRICULAR CARDIOMYOPATHY AND WOOLLY HAIR; Carvajal syndrome. Identifiers: Orphanet 65282, MedGen C1854063, MONDO:0011581, OMIM 605676.

Submissions (2):

Labcorp Genetics (formerly Invitae), Labcorp
Classification: Pathogenic for Arrhythmogenic cardiomyopathy with wooly hair and keratoderma; Arrhythmogenic right ventricular dysplasia 8. Last evaluated: 2025-03-16. Review status: criteria provided, single submitter. Criteria: Invitae Variant Classification Sherloc (09022015). Collection method: clinical testing. Allele origin: germline.
Comment: This sequence change creates a premature translational stop signal (p.Asp1120Glufs*35) in the DSP gene. It is expected to result in an absent or disrupted protein product. Loss-of-function variants in DSP are known to be pathogenic (PMID: 20716751, 24503780, 25227139). This variant is not present in population databases (gnomAD no frequency). This variant has not been reported in the literature in individuals affected with DSP-related conditions. For these reasons, this variant has been classified as Pathogenic.

Greenwood Genetic Center Diagnostic Laboratories, Greenwood Genetic Center
Classification: Likely pathogenic for DSP-related disorder. Last evaluated: 2025-01-09. Review status: criteria provided, single submitter. Criteria: ACMG Guidelines, 2015. Collection method: clinical testing. Allele origin: germline.
Comment: PVS1, PM2

Literature cited by the submitters: PubMed 20716751 (cited by Labcorp Genetics (formerly Invitae), Labcorp); PubMed 24503780 (cited by Labcorp Genetics (formerly Invitae), Labcorp); PubMed 25227139 (cited by Labcorp Genetics (formerly Invitae), Labcorp).

NM_004415.4(DSP):c.3360_3372del (p.Asp1120fs)

Gene: DSP (desmoplakin; plus strand). Cytogenetic location: 6p24.3.
Variant type: Deletion.
Coding change: c.3360_3372del on transcript NM_004415.4 (MANE Select); coding-DNA positions 3360 to 3372, 13 bases deleted (TGAAAAGAGAAGA).
Protein change: p.Asp1120fs; shifts the reading frame from aspartic acid 1120.
Molecular consequence: frameshift variant.
Genome position (GRCh38, 1-based): chr6:7,579,550-7,579,562, TGAAAAGAGAAGA deleted; deleting any 13 consecutive bases within chr6:7,579,545-7,579,562 gives the same sequence; the c. name uses the placement nearest the transcript's 3' end. VCF-style (leftmost placement, unchanged base first): chr6-7579544-TGAAGATGAAAAGA-T. GRCh37 (hg19) VCF-style: chr6-7579777-TGAAGATGAAAAGA-T.
Other names: c.3360_3372del, p.Asp1120fs (NM_001008844.3, NM_001319034.2); short protein forms D1120fs.
Identifiers: ClinVar variation 4793537 (VCV004793537.2).